The following is an entry in ClinVar:

ClinVar aggregate classification (germline): Likely benign (1 of 4 stars; one submission).

Submission:

CeGaT Center for Human Genetics Tuebingen
Classification: Likely benign. Last evaluated: 2026-10-01. Review status: criteria provided, single submitter. Criteria: CeGaT Center For Human Genetics Tuebingen Variant Classification Criteria Version 2. Collection method: clinical testing. Allele origin: germline. Affected: yes. Observed: 1 variant allele.
Comment: TMEM271: PM2:Supporting, BP4, BP7

NM_001362796.2(TMEM271):c.543G>A (p.Ser181=)

Gene: TMEM271 (transmembrane protein 271; minus strand). Cytogenetic location: 4p16.3.
Variant type: single nucleotide variant.
Coding change: c.543G>A on transcript NM_001362796.2 (MANE Select); coding-DNA position 543, G replaced by A.
Protein change: p.Ser181=; no amino-acid change (serine 181 retained).
Molecular consequence: synonymous variant.
Genome position (GRCh38, 1-based): chr4:575,520, C>T on the plus strand (G>A on the coding strand, the complement: TMEM271 is on the minus strand). VCF-style: chr4-575520-C-T. GRCh37 (hg19) VCF-style: chr4-569309-C-T.
Identifiers: ClinVar variation 5041203 (VCV005041203.1).
Genomic context (GRCh38, chr4:575,520, plus strand): 5'-GTCCAGGGTGCTGCGAGCGCGCGGGGCGCCGGGGGCCGAGCCCGGCGCCGAGCCGGGGGC[C>T]GAGCCCGGGGCCGAGCCGGGGGTTGAGCCCGGGGCCGAGCCGGGGCTCGAACCTGGCGCC-3'
Protein context (NP_001349725.1, residues 171-191): PGSTPGSAPG[Ser181=]APGSAPGSAP